The following is an entry in ClinVar:

ClinVar aggregate classification (germline): Conflicting classifications of pathogenicity. Review status: criteria provided, conflicting classifications (1 of 4 stars). 4 submissions from 4 submitters: Uncertain significance (3); Likely benign (1). Last evaluated 2026-08-06.

Conditions:
Cardiovascular phenotype. Identifiers: MedGen CN230736.
Hereditary cancer-predisposing syndrome. Also called: Hereditary Cancer Syndrome; Tumor predisposition; Hereditary neoplastic syndrome; Neoplastic Syndromes, Hereditary. Identifiers: Orphanet 140162, MedGen C0027672, MeSH D009386, MONDO:0015356.
Neurofibromatosis, type 1 (NF1). Also called: Peripheral type neurofibromatosis; Neurofibromatosis, type I; VON RECKLINGHAUSEN DISEASE; NEUROFIBROMATOSIS, TYPE I, SOMATIC. Identifiers: Orphanet 636, MedGen C0027831, MONDO:0018975, OMIM 162200. Disease mechanism: loss of function.

Submissions (4):

Ambry Genetics
Classification: Likely benign for Cardiovascular phenotype; Hereditary cancer-predisposing syndrome. Last evaluated: 2026-08-06. Review status: criteria provided, single submitter. Criteria: Ambry Variant Classification Scheme 2023. Collection method: clinical testing. Allele origin: germline.

Labcorp Genetics (formerly Invitae), Labcorp
Classification: Uncertain significance for Neurofibromatosis, type 1. Last evaluated: 2025-07-30. Review status: criteria provided, single submitter. Criteria: Invitae Variant Classification Sherloc (09022015). Collection method: clinical testing. Allele origin: germline.
Comment: This sequence change replaces threonine, which is neutral and polar, with lysine, which is basic and polar, at codon 2720 of the NF1 protein (p.Thr2720Lys). This variant is not present in population databases (gnomAD no frequency). This variant has not been reported in the literature in individuals affected with NF1-related conditions. ClinVar contains an entry for this variant (Variation ID: 547702). Invitae Evidence Modeling of protein sequence and biophysical properties (such as structural, functional, and spatial information, amino acid conservation, physicochemical variation, residue mobility, and thermodynamic stability) indicates that this missense variant is not expected to disrupt NF1 protein function with a negative predictive value of 95%. In summary, the available evidence is currently insufficient to determine the role of this variant in disease. Therefore, it has been classified as a Variant of Uncertain Significance.

Genome-Nilou Lab
Classification: Uncertain significance for Neurofibromatosis, type 1. Last evaluated: 2022-03-15. Review status: criteria provided, single submitter. Criteria: ACMG Guidelines, 2015. Collection method: clinical testing. Allele origin: germline. Affected: no.

Center for Human Genetics, Inc
Classification: Uncertain significance for Neurofibromatosis, type 1. Last evaluated: 2016-11-01. Review status: criteria provided, single submitter. Criteria: ACMG Guidelines, 2015. Collection method: clinical testing. Allele origin: germline. Affected: yes.

NM_001042492.3(NF1):c.8222C>A (p.Thr2741Lys)

Gene: NF1 (neurofibromin 1; plus strand). Cytogenetic location: 17q11.2.
Variant type: single nucleotide variant.
Coding change: c.8222C>A on transcript NM_001042492.3 (MANE Select); coding-DNA position 8222, C replaced by A.
Protein change: p.Thr2741Lys; replaces threonine 2741 with lysine.
Molecular consequence: missense variant.
Genome position (GRCh38, 1-based): chr17:31,360,548, C>A. VCF-style: chr17-31360548-C-A. GRCh37 (hg19) VCF-style: chr17-29687566-C-A.
Other names: c.8159C>A, p.Thr2720Lys (NM_000267.4); short protein forms T2720K, T2741K.
Identifiers: ClinVar variation 547702 (VCV000547702.11), dbSNP rs144178015, ClinGen allele CA399204577.